The following is an entry in ClinVar:

NM_001267550.2(TTN):c.55480G>A (p.Gly18494Ser)

Genes: TTN (titin; minus strand), TTN-AS1 (TTN antisense RNA 1; plus strand). Cytogenetic location: 2q31.2.
Variant type: single nucleotide variant.
Coding change: c.55480G>A on transcript NM_001267550.2 (MANE Select); coding-DNA position 55480, G replaced by A.
Protein change: p.Gly18494Ser; replaces glycine 18494 with serine.
Molecular consequence: missense variant.
Genome position (GRCh38, 1-based): chr2:178,601,517, C>T on the plus strand (G>A on the coding strand, the complement: TTN is on the minus strand). VCF-style: chr2-178601517-C-T. GRCh37 (hg19) VCF-style: chr2-179466244-C-T.
Other names: c.50557G>A, p.Gly16853Ser (NM_001256850.1); c.28285G>A, p.Gly9429Ser (NM_003319.4); c.47776G>A, p.Gly15926Ser (NM_133378.4); c.28660G>A, p.Gly9554Ser (NM_133432.3); c.28861G>A, p.Gly9621Ser (NM_133437.4); short protein forms G15926S, G16853S, G18494S, G9429S, G9554S, G9621S.
Identifiers: ClinVar variation 1330756 (VCV001330756.7), dbSNP rs368523054, ClinGen allele CA1993441.

ClinVar aggregate classification (germline): Uncertain significance (1 of 4 stars; one submission).

Allele frequency attached by ClinVar (database versions not stated): TOPMed below 0.00001; ExAC 0.00001; gnomAD 0.00001; gnomAD exomes 0.00001; ESP Exome Variant Server 0.00008.
gnomAD v4.1: 4 of 1,612,750 alleles (0.00025%); highest among the groups gnomAD compares: Non-Finnish European, 0.00034%; no homozygotes.

Submission:

ARUP Laboratories, Molecular Genetics and Genomics, ARUP Laboratories
Classification: Uncertain significance. Last evaluated: 2021-03-02. Review status: criteria provided, single submitter. Criteria: ARUP Molecular Germline Variant Investigation Process 2021. Collection method: clinical testing. Allele origin: germline.
Comment: The TTN c.55480G>A; p.Gly18494Ser variant (rs368523054) is rare in the general population (<0.2% allele frequency in the Genome Aggregation Database) and has not been reported in the medical literature in association with dilated cardiomyopathy (DCM) or other TTN-related disease. The clinical relevance of rare missense variants in this gene, which are identified on average once per individual sequenced in affected populations (Herman 2012), is not well understood. Yet, evidence suggests that the vast majority of such missense variants do not contribute to the clinical outcome of DCM (Begay 2015). Thus, the clinical significance of the p.Gly1849Ser variant cannot be determined with certainty. References: Begay RL et al. Role of Titin Missense Variants in Dilated Cardiomyopathy. J Am Heart Assoc. 2015 Nov 13;4(11). Herman DS et al. Truncations of titin causing dilated cardiomyopathy. N Engl J Med. 2012 Feb 16;366(7):619-28. Linke WA and Hamdani N. Gigantic business: titin properties and function through thick and thin. Circ Res 2014; 114(6): 1052-1068.